The following is an entry in ClinVar:

NM_001005361.3(DNM2):c.385G>A (p.Val129Met)

Gene: DNM2 (dynamin 2; plus strand). Cytogenetic location: 19p13.2.
Variant type: single nucleotide variant.
Coding change: c.385G>A on transcript NM_001005361.3 (MANE Select); coding-DNA position 385, G replaced by A.
Protein change: p.Val129Met; replaces valine 129 with methionine.
Molecular consequence: missense variant.
Genome position (GRCh38, 1-based): chr19:10,772,628, G>A. VCF-style: chr19-10772628-G-A. GRCh37 (hg19) VCF-style: chr19-10883304-G-A.
Other names: c.385G>A, p.Val129Met (NM_001005360.3, NM_001005362.3, NM_001190716.2 and 1 more transcripts); short protein forms V129M.
Identifiers: ClinVar variation 2020132 (VCV002020132.5), dbSNP rs2513140051, ClinGen allele CA404041974.

ClinVar aggregate classification (germline): Uncertain significance (1 of 4 stars; one submission).

Conditions:
Charcot-Marie-Tooth disease dominant intermediate B (CMTDIB). Also called: CHARCOT-MARIE-TOOTH NEUROPATHY, DOMINANT INTERMEDIATE B; Charcot-Marie-Tooth disease dominant intermediate 1; CMT DI1; Charcot-Marie-Tooth disease dominant intermediate I. Identifiers: Orphanet 100044, Orphanet 228179, MedGen C1847902, MONDO:0011674, OMIM 606482.

Submissions (2):

Labcorp Genetics (formerly Invitae), Labcorp
Classification: Uncertain significance for Charcot-Marie-Tooth disease dominant intermediate B. Last evaluated: 2024-05-15. Review status: criteria provided, single submitter. Criteria: Invitae Variant Classification Sherloc (09022015). Collection method: clinical testing. Allele origin: germline.
Comment: This sequence change replaces valine, which is neutral and non-polar, with methionine, which is neutral and non-polar, at codon 129 of the DNM2 protein (p.Val129Met). This variant also falls at the last nucleotide of exon 3, which is part of the consensus splice site for this exon. This variant is not present in population databases (gnomAD no frequency). This variant has not been reported in the literature in individuals affected with DNM2-related conditions. ClinVar contains an entry for this variant (Variation ID: 2020132). An algorithm developed to predict the effect of missense changes on protein structure and function (PolyPhen-2) suggests that this variant is likely to be disruptive. Variants that disrupt the consensus splice site are a relatively common cause of aberrant splicing (PMID: 17576681, 9536098). Algorithms developed to predict the effect of sequence changes on RNA splicing suggest that this variant may disrupt the consensus splice site. In summary, the available evidence is currently insufficient to determine the role of this variant in disease. Therefore, it has been classified as a Variant of Uncertain Significance.

Dr. Peter K. Rogan Lab, Western University
No classification provided (evidence only). Condition: Malignant tumor of urinary bladder. Review status: no classification provided. Collection method: in vitro. Allele origin: not applicable. Functional consequence: skipped exon, retained intron. Not counted in ClinVar's aggregate classification.

Literature cited by the submitters: PubMed 17576681 (cited by Labcorp Genetics (formerly Invitae), Labcorp); PubMed 9536098 (cited by Labcorp Genetics (formerly Invitae), Labcorp).